The following is an entry in ClinVar:

NM_006734.4(HIVEP2):c.4024G>A (p.Val1342Ile)

Gene: HIVEP2 (HIVEP zinc finger 2; minus strand). Cytogenetic location: 6q24.2.
Variant type: single nucleotide variant.
Coding change: c.4024G>A on transcript NM_006734.4 (MANE Select); coding-DNA position 4024, G replaced by A.
Protein change: p.Val1342Ile; replaces valine 1342 with isoleucine.
Molecular consequence: missense variant.
Genome position (GRCh38, 1-based): chr6:142,770,715, C>T on the plus strand (G>A on the coding strand, the complement: HIVEP2 is on the minus strand). VCF-style: chr6-142770715-C-T. GRCh37 (hg19) VCF-style: chr6-143091852-C-T.
Other names: short protein forms V1342I.
Identifiers: ClinVar variation 996884 (VCV000996884.1), dbSNP rs760320989, ClinGen allele CA4028139.

ClinVar aggregate classification (germline): Uncertain significance (1 of 4 stars; one submission).

Conditions:
Intellectual developmental disorder, autosomal dominant 43. Also called: Intellectual disability, autosomal dominant 43. Identifiers: MedGen C4707429, MONDO:0014858, OMIM 616977.

Allele frequency attached by ClinVar (database versions not stated): gnomAD 0.00001; TOPMed 0.00001.
gnomAD v4.1: 32 of 1,614,050 alleles (0.002%); highest among the groups gnomAD compares: East Asian, 0.0089%; no homozygotes.

Submission:

New York Genome Center
Classification: Uncertain significance for Intellectual developmental disorder, autosomal dominant 43. Last evaluated: 2019-10-10. Review status: criteria provided, single submitter. Criteria: NYGC Assertion Criteria 2020. Collection method: clinical testing. Allele origin: germline. Inheritance: Autosomal dominant inheritance. Observed: 1 heterozygote. Study: CSER-NYCKidSeq.
Comment: The c.4024G>A (p.Val1342Ile) variant identified in the HIVEP2 gene substitutes a highly conserved Valine for Isoleucine at amino acid 1342/2447 (coding exon 5/10). This variant is found with low frequency in gnomAD (4 heterozygotes, 0 homozygotes; allele frequency: 1.42e-5) and ExAC (1 heterozygote, 0 homozygotes; allele frequency: 8.28e-6), suggesting it is not a common benign variant in the populations represented in these databases. In silico algorithms predict this variant is Neutral (Provean; -0.38) and Tolerated (SIFT; score: 0.148) to the function of the canonical transcript. This variant is absent from ClinVar and to our current knowledge has not been reported in affected individuals in the literature. The p.Val1342 residue is not within a mapped domain of HIVEP2, and while most of the variants reported as pathogenic in the literature are nonsense and frameshift, missense variants have also been described in the literature [PMID: 27003583], as well as in ClinVar. Given the lack of compelling evidence for the pathogenicity of the c.4024G>A (p.Val1342Ile) variant identified in the HIVEP2 gene, it is reported here as a Variant of Uncertain Significance.